The following is an entry in ClinVar:

NM_002473.6(MYH9):c.3943-7C>A

Gene: MYH9 (myosin heavy chain 9; minus strand). Cytogenetic location: 22q12.3.
Variant type: single nucleotide variant.
Coding change: c.3943-7C>A on transcript NM_002473.6 (MANE Select); 7 bases into the intron before coding-DNA position 3943, C replaced by A.
Molecular consequence: intron variant.
Genome position (GRCh38, 1-based): chr22:36,293,488, G>T on the plus strand (C>A on the coding strand, the complement: MYH9 is on the minus strand). VCF-style: chr22-36293488-G-T. GRCh37 (hg19) VCF-style: chr22-36689534-G-T.
Other names: c.3943-7C>A (NM_002473.5).
Identifiers: ClinVar variation 178433 (VCV000178433.20), dbSNP rs376396278, ClinGen allele CA182324.

ClinVar aggregate classification (germline): Conflicting classifications of pathogenicity. Review status: criteria provided, conflicting classifications (1 of 4 stars). 7 submissions from 7 submitters: Uncertain significance (5); Likely benign (1). 1 of the submissions does not count toward it. Last evaluated 2026-01-15.

Conditions:
MYH9-related disorder. Identifiers: MedGen C1854520.
Autosomal dominant nonsyndromic hearing loss 17. Also called: Deafness, autosomal dominant 17; Autosomal dominant nonsyndromic deafness 17. Identifiers: Orphanet 90635, MedGen C1863659, MONDO:0011350, OMIM 603622.
Macrothrombocytopenia and granulocyte inclusions with or without nephritis or sensorineural hearing loss (MATINS). Also called: BLEEDING DISORDER, PLATELET-TYPE, 6; MAY-HEGGLIN ANOMALY; MYH9-Related Disease (MYH9-RD); DOHLE LEUKOCYTE INCLUSIONS WITH GIANT PLATELETS; SEBASTIAN PLATELET SYNDROME; MACROTHROMBOCYTOPENIA WITH DISPERSED LEUKOCYTIC INCLUSIONS. Identifiers: Orphanet 182050, MedGen C5200934, MONDO:0015912, OMIM 155100.

Allele frequency attached by ClinVar (database versions not stated): ESP Exome Variant Server 0.00008; TOPMed 0.00019; gnomAD 0.00032.
gnomAD v4.1: 46 of 1,612,610 alleles (0.0029%); highest among the groups gnomAD compares: African/African-American, 0.04%; 1 homozygote.

Submissions (7):

Labcorp Genetics (formerly Invitae), Labcorp
Classification: Likely benign. Last evaluated: 2026-01-15. Review status: criteria provided, single submitter. Criteria: Invitae Variant Classification Sherloc (09022015). Collection method: clinical testing. Allele origin: germline.

Women's Health and Genetics/Laboratory Corporation of America, LabCorp
Classification: Uncertain significance. Last evaluated: 2025-12-30. Review status: criteria provided, single submitter. Criteria: LabCorp Variant Classification Summary - May 2015. Collection method: clinical testing. Allele origin: germline.
Comment: Variant summary: MYH9 c.3943-7C>A alters a nucleotide located at a position not widely known to affect splicing. Computational tools predict a significant impact on normal splicing: Two predict the variant abolishes a canonical 3' acceptor site. One predict the variant weakens this site. However, these predictions have yet to be confirmed by functional studies. The variant allele was found at a frequency of 2.8e-05 in 250254 control chromosomes (gnomAD). The available data on variant occurrences in the general population are insufficient to allow any conclusion about variant significance. To our knowledge, no occurrence of c.3943-7C>A in individuals affected with MYH9-related conditions and no experimental evidence demonstrating its impact on protein function have been reported. ClinVar contains an entry for this variant (Variation ID: 178433). Based on the evidence outlined above, the variant was classified as uncertain significance.

GeneDx
Classification: Uncertain significance. Last evaluated: 2025-07-14. Review status: criteria provided, single submitter. Criteria: GeneDx Variant Classification Process June 2021. Collection method: clinical testing. Allele origin: germline. Affected: yes.
Comment: In silico analysis supports a deleterious effect on splicing; Has not been previously published as pathogenic or benign to our knowledge

ARUP Laboratories, Molecular Genetics and Genomics, ARUP Laboratories
Classification: Uncertain significance. Last evaluated: 2025-07-03. Review status: criteria provided, single submitter. Criteria: ARUP Molecular Germline Variant Investigation Process 2024. Collection method: clinical testing. Allele origin: germline.
Comment: The MYH9 c.3943-7C>A variant (rs376396278), to our knowledge, is not reported in the medical literature but is reported in ClinVar (Variation ID: 178433). This variant is found in the African/African-American population with an allele frequency of 0.05% (14/24956 alleles) in the Genome Aggregation Database (v2.1.1). This is an intronic variant and computational analyses (Alamut Visual Plus v.1.12) predict that this variant may impact splicing by weakening the nearby canonical acceptor splice site. Due to limited information, the clinical significance of this variant is uncertain at this time. References: Savoia A and Pecci A. MYH9-Related Disease. GeneReviews. 2021. PMID: 20301740

Fulgent Genetics
Classification: Uncertain significance for Macrothrombocytopenia and granulocyte inclusions with or without nephritis or sensorineural hearing loss; Autosomal dominant nonsyndromic hearing loss 17. Last evaluated: 2024-04-23. Review status: criteria provided, single submitter. Criteria: ACMG Guidelines, 2015. Collection method: clinical testing. Allele origin: germline.

Laboratory for Molecular Medicine, Mass General Brigham Personalized Medicine
Classification: Uncertain significance. Last evaluated: 2013-11-26. Review status: criteria provided, single submitter. Criteria: LMM Criteria. Collection method: clinical testing. Allele origin: germline. Observed: 2 variant alleles.
Comment: The 3943-7C>A variant in MYH9 has not been previously reported in any other fami lies with hearing loss, but has been identified in 0.02% (1/4406) of African Ame rican chromosomes by the NHLBI Exome Sequencing Project (n.edu/EVS/; dbSNP rs376396278). This variant is located in the 3' splice region. Computational tools do not strongly suggest an impact to splicing. However, thi s information is not predictive enough to rule out pathogenicity. In summary, ad ditional data is needed to determine the clinical significance of this variant.

PreventionGenetics, part of Exact Sciences
Classification: Likely benign for MYH9-related condition. Last evaluated: 2022-01-09. Review status: no assertion criteria provided. Collection method: clinical testing. Allele origin: germline. Not counted in ClinVar's aggregate classification.
Comment: This variant is classified as likely benign based on ACMG/AMP sequence variant interpretation guidelines (Richards et al. 2015 PMID: 25741868, with internal and published modifications).